The following is an entry in ClinVar:

ClinVar aggregate classification (germline): Uncertain significance (1 of 4 stars; one submission).

Conditions:
Early-infantile DEE. Also called: Early infantile epileptic encephalopathy; Early infantile epileptic encephalopathy with suppression bursts; Ohtahara syndrome. Identifiers: Orphanet 1934, MedGen C0393706, MONDO:0800491.

Allele frequency attached by ClinVar (database versions not stated): gnomAD exomes below 0.00001 and 0.00001; TOPMed below 0.00001; gnomAD 0.00001.
gnomAD v4.1: 6 of 1,613,574 alleles (0.00037%); highest among the groups gnomAD compares: African/African-American, 0.0027%; no homozygotes.

Submission:

Labcorp Genetics (formerly Invitae), Labcorp
Classification: Uncertain significance for Early-infantile DEE. Last evaluated: 2023-05-22. Review status: criteria provided, single submitter. Criteria: Invitae Variant Classification Sherloc (09022015). Collection method: clinical testing. Allele origin: germline.
Comment: In summary, the available evidence is currently insufficient to determine the role of this variant in disease. Therefore, it has been classified as a Variant of Uncertain Significance. Advanced modeling of protein sequence and biophysical properties (such as structural, functional, and spatial information, amino acid conservation, physicochemical variation, residue mobility, and thermodynamic stability) performed at Invitae indicates that this missense variant is expected to disrupt KCNH5 protein function. ClinVar contains an entry for this variant (Variation ID: 1499280). This variant has not been reported in the literature in individuals affected with KCNH5-related conditions. This variant is present in population databases (no rsID available, gnomAD 0.007%). This sequence change replaces arginine, which is basic and polar, with tryptophan, which is neutral and slightly polar, at codon 489 of the KCNH5 protein (p.Arg489Trp).

NM_139318.5(KCNH5):c.1465C>T (p.Arg489Trp)

Gene: KCNH5 (potassium voltage-gated channel subfamily H member 5; minus strand). Cytogenetic location: 14q23.2.
Variant type: single nucleotide variant.
Coding change: c.1465C>T on transcript NM_139318.5 (MANE Select); coding-DNA position 1465, C replaced by T.
Protein change: p.Arg489Trp; replaces arginine 489 with tryptophan.
Molecular consequence: missense variant.
Genome position (GRCh38, 1-based): chr14:62,849,757, G>A on the plus strand (C>T on the coding strand, the complement: KCNH5 is on the minus strand). VCF-style: chr14-62849757-G-A. GRCh37 (hg19) VCF-style: chr14-63316475-G-A.
Other names: c.1465C>T, p.Arg489Trp (NM_172375.3); short protein forms R489W.
Identifiers: ClinVar variation 1499280 (VCV001499280.7), dbSNP rs1346595307, ClinGen allele CA390102429.